The following is an entry in ClinVar:

NM_018052.5(VAC14):c.2158G>T (p.Val720Leu)

Gene: VAC14 (VAC14 component of PIKFYVE complex; minus strand). Cytogenetic location: 16q22.1.
Variant type: single nucleotide variant.
Coding change: c.2158G>T on transcript NM_018052.5 (MANE Select); coding-DNA position 2158, G replaced by T.
Protein change: p.Val720Leu; replaces valine 720 with leucine.
Molecular consequence: missense variant.
Genome position (GRCh38, 1-based): chr16:70,692,849, C>A on the plus strand (G>T on the coding strand, the complement: VAC14 is on the minus strand). VCF-style: chr16-70692849-C-A. GRCh37 (hg19) VCF-style: chr16-70726752-C-A.
Other names: c.1456G>T, p.Val486Leu (NM_001351157.2); short protein forms V486L, V720L.
Identifiers: ClinVar variation 2008538 (VCV002008538.4), dbSNP rs761901472, ClinGen allele CA396587909.

ClinVar aggregate classification (germline): Uncertain significance (1 of 4 stars; one submission).

gnomAD v4.1: 2 of 1,602,570 alleles (0.00012%); highest among the groups gnomAD compares: Non-Finnish European, 0.00017%; no homozygotes.

Submission:

Labcorp Genetics (formerly Invitae), Labcorp
Classification: Uncertain significance. Last evaluated: 2022-06-19. Review status: criteria provided, single submitter. Criteria: Invitae Variant Classification Sherloc (09022015). Collection method: clinical testing. Allele origin: germline.
Comment: This sequence change replaces valine, which is neutral and non-polar, with leucine, which is neutral and non-polar, at codon 720 of the VAC14 protein (p.Val720Leu). In summary, the available evidence is currently insufficient to determine the role of this variant in disease. Therefore, it has been classified as a Variant of Uncertain Significance. Algorithms developed to predict the effect of missense changes on protein structure and function (SIFT, PolyPhen-2, Align-GVGD) all suggest that this variant is likely to be disruptive. This variant has not been reported in the literature in individuals affected with VAC14-related conditions. This variant is not present in population databases (gnomAD no frequency).